The following is an entry in ClinVar:

ClinVar aggregate classification (germline): Uncertain significance. Review status: criteria provided, single submitter (1 of 4 stars). 2 submissions from 2 submitters: Uncertain significance (1). 1 of the submissions does not count toward it. Last evaluated 2025-09-09.

Conditions:
Hereditary cancer-predisposing syndrome. Also called: Hereditary Cancer Syndrome; Hereditary neoplastic syndrome; Neoplastic Syndromes, Hereditary; Tumor predisposition. Identifiers: Orphanet 140162, MedGen C0027672, MeSH D009386, MONDO:0015356.

Submissions (2):

Color Diagnostics, LLC DBA Color Health
Classification: Uncertain significance for Hereditary cancer-predisposing syndrome. Last evaluated: 2025-09-09. Review status: criteria provided, single submitter. Criteria: ACMG Guidelines, 2015. Collection method: clinical testing. Allele origin: germline.
Comment: This missense variant replaces phenylalanine with cysteine at codon 2600 of the BRCA2 protein. Computational predictions are inconclusive regarding the impact of this variant on protein structure and function. Functional studies have reported that this variant does not impact BRCA2 in homology-mediated DNA repair assays and in a haploid cell proliferation assay (PMID: 33609447, 35736817, 39779857), while one study reported that this variant is borderline loss-of-function in sensitivity assays to cisplatin and PARP inhibitor (PMID: 39779848). To our knowledge, this variant has not been reported in individuals affected with BRCA2-related disorders in the literature. This variant has not been identified in the general population by the Genome Aggregation Database (gnomAD). The available evidence is insufficient to determine the role of this variant in disease conclusively. Therefore, this variant is classified as a Variant of Uncertain Significance.

Research Molecular Genetics Laboratory, Women's College Hospital, University of Toronto
Classification: Uncertain significance. Last evaluated: 2014-01-31. Review status: no assertion criteria provided. Collection method: research. Allele origin: germline. Affected: yes. Study: The Canadian Open Genetics Repository (COGR). Not counted in ClinVar's aggregate classification.

Literature cited by the submitters: PubMed 33609447 (cited by Color Diagnostics, LLC DBA Color Health); PubMed 35736817 (cited by Color Diagnostics, LLC DBA Color Health); PubMed 39779848 (cited by Color Diagnostics, LLC DBA Color Health); PubMed 39779857 (cited by Color Diagnostics, LLC DBA Color Health).

NM_000059.4(BRCA2):c.7799T>G (p.Phe2600Cys)

Gene: BRCA2 (BRCA2 DNA repair associated; plus strand). Cytogenetic location: 13q13.1.
Variant type: single nucleotide variant.
Coding change: c.7799T>G on transcript NM_000059.4 (MANE Select); coding-DNA position 7799, T replaced by G.
Protein change: p.Phe2600Cys; replaces phenylalanine 2600 with cysteine.
Molecular consequence: missense variant.
Genome position (GRCh38, 1-based): chr13:32,357,923, T>G. VCF-style: chr13-32357923-T-G. GRCh37 (hg19) VCF-style: chr13-32932060-T-G.
Other names: short protein forms F2600C.
Identifiers: ClinVar variation 431336 (VCV000431336.2), dbSNP rs1135401920, ClinGen allele CA387746128.